The following is an entry in ClinVar:

ClinVar aggregate classification (germline): Uncertain significance (1 of 4 stars; one submission).

Submission:

Labcorp Genetics (formerly Invitae), Labcorp
Classification: Uncertain significance. Last evaluated: 2024-06-22. Review status: criteria provided, single submitter. Criteria: Invitae Variant Classification Sherloc (09022015). Collection method: clinical testing. Allele origin: germline.
Comment: This sequence change replaces leucine, which is neutral and non-polar, with proline, which is neutral and non-polar, at codon 739 of the ITGB3 protein (p.Leu739Pro). This variant is not present in population databases (gnomAD no frequency). This variant has not been reported in the literature in individuals affected with ITGB3-related conditions. Advanced modeling of protein sequence and biophysical properties (such as structural, functional, and spatial information, amino acid conservation, physicochemical variation, residue mobility, and thermodynamic stability) performed at Invitae indicates that this missense variant is expected to disrupt ITGB3 protein function with a positive predictive value of 80%. In summary, the available evidence is currently insufficient to determine the role of this variant in disease. Therefore, it has been classified as a Variant of Uncertain Significance.

NM_000212.3(ITGB3):c.2216T>C (p.Leu739Pro)

Genes: EFCAB13-DT (EFCAB13 divergent transcript; minus strand), ITGB3 (integrin subunit beta 3; plus strand). Cytogenetic location: 17q21.32.
Variant type: single nucleotide variant.
Coding change: c.2216T>C on transcript NM_000212.3 (MANE Select); coding-DNA position 2216, T replaced by C.
Protein change: p.Leu739Pro; replaces leucine 739 with proline.
Molecular consequence: missense variant.
Genome position (GRCh38, 1-based): chr17:47,307,552, T>C. VCF-style: chr17-47307552-T-C. GRCh37 (hg19) VCF-style: chr17-45384918-T-C.
Other names: short protein forms L739P.
Identifiers: ClinVar variation 3657503 (VCV003657503.2).